The following is an entry in ClinVar:

ClinVar aggregate classification (germline): Uncertain significance (1 of 4 stars; one submission).

Allele frequency attached by ClinVar (database versions not stated): ESP Exome Variant Server 0.00008; TOPMed 0.00013; gnomAD 0.00017; ExAC 0.00007.

Submission:

CeGaT Center for Human Genetics Tuebingen
Classification: Uncertain significance. Last evaluated: 2024-01-01. Review status: criteria provided, single submitter. Criteria: CeGaT Center For Human Genetics Tuebingen Variant Classification Criteria Version 2. Collection method: clinical testing. Allele origin: germline. Affected: yes. Observed: 1 variant allele.
Comment: KLHL10: PM2, BP4

NM_152467.5(KLHL10):c.16G>A (p.Ala6Thr)

Gene: KLHL10 (kelch like family member 10; plus strand). Cytogenetic location: 17q21.2.
Variant type: single nucleotide variant.
Coding change: c.16G>A on transcript NM_152467.5 (MANE Select); coding-DNA position 16, G replaced by A.
Protein change: p.Ala6Thr; replaces alanine 6 with threonine.
Molecular consequence: missense variant. On other transcripts: 5 prime UTR variant (1).
Genome position (GRCh38, 1-based): chr17:41,837,948, G>A. VCF-style: chr17-41837948-G-A. GRCh37 (hg19) VCF-style: chr17-39994200-G-A.
Other names: c.16G>A, p.Ala6Thr (NM_001329595.1); c.-187G>A (NM_001329596.2); short protein forms A6T.
Identifiers: ClinVar variation 3024928 (VCV003024928.22), dbSNP rs200592199, ClinGen allele CA8567132.
Genomic context (GRCh38, chr17:41,837,948, plus strand): 5'-CCGACACCCTAGGAAAGCAGCCTCTCTCCGCTGTCCCAGGGTGCCATGGAGATGGAGAGC[G>A]CGGCGGCCTCCACACGTTTCCACCAGCCTCACATGGAGAGGAAGATGAGTGCGATGGCCT-3'
Protein context (NP_689680.2, residues 1-16): MEMES[Ala6Thr]AASTRFHQPH